The following is an entry in ClinVar:

NM_000278.5(PAX2):c.1019C>T (p.Pro340Leu)

Gene: PAX2 (paired box 2; plus strand). Cytogenetic location: 10q24.31.
Variant type: single nucleotide variant.
Coding change: c.1019C>T on transcript NM_000278.5 (MANE Select); coding-DNA position 1019, C replaced by T.
Protein change: p.Pro340Leu; replaces proline 340 with leucine.
Molecular consequence: missense variant.
Genome position (GRCh38, 1-based): chr10:100,824,747, C>T. VCF-style: chr10-100824747-C-T. GRCh37 (hg19) VCF-style: chr10-102584504-C-T.
Other names: c.1112C>T, p.Pro371Leu (NM_001304569.2); c.1088C>T, p.Pro363Leu (NM_003987.5, NM_003990.5); c.1019C>T, p.Pro340Leu (NM_003988.5, NM_003989.5); short protein forms P340L, P371L, P363L.
Identifiers: ClinVar variation 4794610 (VCV004794610.1).

ClinVar aggregate classification (germline): Uncertain significance (1 of 4 stars; one submission).

Conditions:
Renal coloboma syndrome (PAPRS). Also called: CONGENITAL ANOMALIES OF THE KIDNEY AND URINARY TRACT WITH OR WITHOUT OCULAR ABNORMALITIES; CAKUT WITH OR WITHOUT OCULAR ABNORMALITIES; PAPILLORENAL SYNDROME; PAPILLORENAL SYNDROME WITH MILD OCULAR ABNORMALITIES; COLOBOMA OF OPTIC NERVE WITH RENAL DISEASE; OPTIC COLOBOMA, VESICOURETERAL REFLUX, AND RENAL ANOMALIES. Identifiers: Orphanet 1475, MedGen C1852759, MONDO:0007352, OMIM 120330.
Focal segmental glomerulosclerosis 7 (FSGS7). Identifiers: Orphanet 656, MedGen C4014925, MONDO:0014451, OMIM 616002.

Submission:

Labcorp Genetics (formerly Invitae), Labcorp
Classification: Uncertain significance for Renal coloboma syndrome; Focal segmental glomerulosclerosis 7. Last evaluated: 2025-04-13. Review status: criteria provided, single submitter. Criteria: Invitae Variant Classification Sherloc (09022015). Collection method: clinical testing. Allele origin: germline.
Comment: This sequence change replaces proline, which is neutral and non-polar, with leucine, which is neutral and non-polar, at codon 340 of the PAX2 protein (p.Pro340Leu). This variant is not present in population databases (gnomAD no frequency). This variant has not been reported in the literature in individuals affected with PAX2-related conditions. Experimental studies and prediction algorithms are not available or were not evaluated, and the functional significance of this variant is currently unknown. In summary, the available evidence is currently insufficient to determine the role of this variant in disease. Therefore, it has been classified as a Variant of Uncertain Significance.